The following is an entry in ClinVar:

ClinVar aggregate classification (germline): Uncertain significance (1 of 4 stars; one submission).

gnomAD v4.1: 176 of 1,614,012 alleles (0.011%); highest among the groups gnomAD compares: Non-Finnish European, 0.014%; no homozygotes.

Submission:

Labcorp Genetics (formerly Invitae), Labcorp
Classification: Uncertain significance. Last evaluated: 2024-05-13. Review status: criteria provided, single submitter. Criteria: Invitae Variant Classification Sherloc (09022015). Collection method: clinical testing. Allele origin: germline.
Comment: This sequence change replaces aspartic acid, which is acidic and polar, with asparagine, which is neutral and polar, at codon 182 of the WNT2B protein (p.Asp182Asn). This variant is present in population databases (rs147459875, gnomAD 0.01%). This variant has not been reported in the literature in individuals affected with WNT2B-related conditions. An algorithm developed to predict the effect of missense changes on protein structure and function (PolyPhen-2) suggests that this variant¬†is likely to be tolerated. In summary, the available evidence is currently insufficient to determine the role of this variant in disease. Therefore, it has been classified as a Variant of Uncertain Significance.

NM_024494.3(WNT2B):c.544G>A (p.Asp182Asn)

Gene: WNT2B (Wnt family member 2B; plus strand). Cytogenetic location: 1p13.2.
Variant type: single nucleotide variant.
Coding change: c.544G>A on transcript NM_024494.3 (MANE Select); coding-DNA position 544, G replaced by A.
Protein change: p.Asp182Asn; replaces aspartic acid 182 with asparagine.
Molecular consequence: missense variant.
Genome position (GRCh38, 1-based): chr1:112,516,280, G>A. VCF-style: chr1-112516280-G-A. GRCh37 (hg19) VCF-style: chr1-113058902-G-A.
Other names: c.268G>A, p.Asp90Asn (NM_001291880.1); c.487G>A, p.Asp163Asn (NM_004185.4); short protein forms D182N, D163N, D90N.
Identifiers: ClinVar variation 3653949 (VCV003653949.1).